The following is an entry in ClinVar:

NM_001080466.2(BTBD17):c.1113C>T (p.Pro371=)

Gene: BTBD17 (BTB domain containing 17; minus strand). Cytogenetic location: 17q25.1.
Variant type: single nucleotide variant.
Coding change: c.1113C>T on transcript NM_001080466.2 (MANE Select); coding-DNA position 1113, C replaced by T.
Protein change: p.Pro371=; no amino-acid change (proline 371 retained).
Molecular consequence: synonymous variant.
Genome position (GRCh38, 1-based): chr17:74,356,981, G>A on the plus strand (C>T on the coding strand, the complement: BTBD17 is on the minus strand). VCF-style: chr17-74356981-G-A. GRCh37 (hg19) VCF-style: chr17-72353120-G-A.
Identifiers: ClinVar variation 2648207 (VCV002648207.24), dbSNP rs2054896721, ClinGen allele CA502029994.
Genomic context (GRCh38, chr17:74,356,981, plus strand): 5'-CGGTCGGCCGTCCTCCGGGCGCGCGGCGGGCAGAGCAGTGCCCGCGGCGTCCGCGTAAAC[G>A]GGCCGCAGGCTGACGGGCAGCCAGCGCGGCGAGAAGAGCACGTTCCAGGTGACCCGGCGG-3'
Protein context (NP_001073935.1, residues 361-381): SPRWLPVSLR[Pro371=]VYADAAGTAL

ClinVar aggregate classification (germline): Likely benign (1 of 4 stars; one submission).

Allele frequency attached by ClinVar (database versions not stated): TOPMed below 0.00001; gnomAD 0.00001.

Submission:

CeGaT Center for Human Genetics Tuebingen
Classification: Likely benign. Last evaluated: 2026-08-01. Review status: criteria provided, single submitter. Criteria: CeGaT Center For Human Genetics Tuebingen Variant Classification Criteria Version 2. Collection method: clinical testing. Allele origin: germline. Affected: yes. Observed: 6 variant alleles.
Comment: BTBD17: BP4, BP7